The following is an entry in ClinVar:

ClinVar aggregate classification (germline): Pathogenic (1 of 4 stars; one submission).

Submission:

Labcorp Genetics (formerly Invitae), Labcorp
Classification: Pathogenic. Last evaluated: 2022-08-08. Review status: criteria provided, single submitter. Criteria: Invitae Variant Classification Sherloc (09022015). Collection method: clinical testing. Allele origin: germline.
Comment: For these reasons, this variant has been classified as Pathogenic. This variant has not been reported in the literature in individuals affected with RS1-related conditions. This variant is not present in population databases (gnomAD no frequency). This sequence change creates a premature translational stop signal (p.Cys63*) in the RS1 gene. It is expected to result in an absent or disrupted protein product. Loss-of-function variants in RS1 are known to be pathogenic (PMID: 9618178, 17172462).

Literature cited by the submitters: PubMed 9618178; PubMed 17172462.

NM_000330.4(RS1):c.189C>A (p.Cys63Ter)

Genes: CDKL5 (cyclin dependent kinase like 5; plus strand), RS1 (retinoschisin 1; minus strand). Cytogenetic location: Xp22.13.
Variant type: single nucleotide variant.
Coding change: c.189C>A on transcript NM_000330.4 (MANE Select); coding-DNA position 189, C replaced by A.
Protein change: p.Cys63Ter; replaces cysteine 63 with a stop codon.
Molecular consequence: nonsense. On other transcripts: intron variant (2).
Genome position (GRCh38, 1-based): chrX:18,647,328, G>T on the plus strand (C>A on the coding strand, the complement: RS1 is on the minus strand). VCF-style: chrX-18647328-G-T. GRCh37 (hg19) VCF-style: chrX-18665448-G-T.
Other names: c.2797+1238G>T (NM_003159.3, NM_001037343.2); short protein forms C63*.
Identifiers: ClinVar variation 2020879 (VCV002020879.4), dbSNP rs2518924597, ClinGen allele CA412373010.